The following is an entry in ClinVar:

ClinVar aggregate classification (germline): Likely benign. Review status: criteria provided, multiple submitters, no conflicts (2 of 4 stars). 3 submissions from 3 submitters: Likely benign (3). Last evaluated 2024-03-14.

Conditions:
Lethal congenital glycogen storage disease of heart. Also called: GLYCOGEN STORAGE DISEASE OF HEART; PHOSPHORYLASE KINASE DEFICIENCY OF HEART. Identifiers: Orphanet 439854, MedGen C1849813, MONDO:0009867, OMIM 261740.
Cardiovascular phenotype. Identifiers: MedGen CN230736.
Hypertrophic cardiomyopathy. Also called: HYPERTROPHIC MYOCARDIOPATHY. Identifiers: Orphanet 217569, MedGen C0007194, MeSH D002312, MONDO:0005045, HP:0001639.

Allele frequency attached by ClinVar (database versions not stated): gnomAD 0.00001; TOPMed 0.00001.
gnomAD v4.1: 2 of 1,613,808 alleles (0.00012%); highest among the groups gnomAD compares: African/African-American, 0.0027%; no homozygotes.

Submissions (3):

All of Us Research Program, National Institutes of Health
Classification: Likely benign for Hypertrophic cardiomyopathy. Last evaluated: 2024-03-14. Review status: criteria provided, single submitter. Criteria: ACMG Guidelines, 2015. Collection method: clinical testing. Allele origin: germline. Inheritance: Autosomal dominant inheritance. Observed: 1 variant allele, 1 heterozygote.
Comment: This study involves interpretation of variants in research participants for the purpose of population health screening. Participant phenotype was not available at the time of variant classification. Additional details can be found in publication PMID: 35346344, PMCID: PMC8962531

Labcorp Genetics (formerly Invitae), Labcorp
Classification: Likely benign for Lethal congenital glycogen storage disease of heart. Last evaluated: 2023-06-19. Review status: criteria provided, single submitter. Criteria: Invitae Variant Classification Sherloc (09022015). Collection method: clinical testing. Allele origin: germline.

Ambry Genetics
Classification: Likely benign for Cardiovascular phenotype. Last evaluated: 2016-12-07. Review status: criteria provided, single submitter. Criteria: Ambry Variant Classification Scheme 2023. Collection method: clinical testing. Allele origin: germline.

NM_016203.4(PRKAG2):c.1116T>C (p.Asp372=)

Gene: PRKAG2 (protein kinase AMP-activated non-catalytic subunit gamma 2; minus strand). Cytogenetic location: 7q36.1.
Variant type: single nucleotide variant.
Coding change: c.1116T>C on transcript NM_016203.4 (MANE Select); coding-DNA position 1116, T replaced by C.
Protein change: p.Asp372=; no amino-acid change (aspartic acid 372 retained).
Molecular consequence: synonymous variant.
Genome position (GRCh38, 1-based): chr7:151,568,833, A>G on the plus strand (T>C on the coding strand, the complement: PRKAG2 is on the minus strand). VCF-style: chr7-151568833-A-G. GRCh37 (hg19) VCF-style: chr7-151265919-A-G.
Other names: c.984T>C, p.Asp328= (NM_001040633.2); c.741T>C, p.Asp247= (NM_001304527.2); c.393T>C, p.Asp131= (NM_001304531.2, NM_024429.2); c.744T>C, p.Asp248= (NM_001363698.2).
Identifiers: ClinVar variation 520325 (VCV000520325.9), dbSNP rs1359495243, ClinGen allele CA458669103.